The following is an entry in ClinVar:

ClinVar aggregate classification (germline): Uncertain significance (1 of 4 stars; one submission).

Conditions:
Polyglucosan body myopathy type 1 (PGBM1). Also called: POLYGLUCOSAN BODY MYOPATHY WITHOUT IMMUNODEFICIENCY; Polyglucosan body myopathy 1 with or without immunodeficiency. Identifiers: Orphanet 329173, Orphanet 397937, MedGen C4014605, MONDO:0014389, OMIM 615895.

Allele frequency attached by ClinVar (database versions not stated): gnomAD exomes 0.00001.
gnomAD v4.1: 15 of 1,612,276 alleles (0.00093%); highest among the groups gnomAD compares: Non-Finnish European, 0.0013%; no homozygotes.

Submission:

Labcorp Genetics (formerly Invitae), Labcorp
Classification: Uncertain significance for Polyglucosan body myopathy type 1. Last evaluated: 2019-12-30. Review status: criteria provided, single submitter. Criteria: Invitae Variant Classification Sherloc (09022015). Collection method: clinical testing. Allele origin: germline.
Comment: Algorithms developed to predict the effect of missense changes on protein structure and function output the following: SIFT: "Tolerated"; PolyPhen-2: "Benign"; Align-GVGD: "Class C0". The alanine amino acid residue is found in multiple mammalian species, suggesting that this missense change does not adversely affect protein function. These predictions have not been confirmed by published functional studies and their clinical significance is uncertain. In summary, the available evidence is currently insufficient to determine the role of this variant in disease. Therefore, it has been classified as a Variant of Uncertain Significance. This variant has not been reported in the literature in individuals with RBCK1-related conditions. This variant is not present in population databases (ExAC no frequency). This sequence change replaces threonine with alanine at codon 161 of the RBCK1 protein (p.Thr161Ala). The threonine residue is highly conserved and there is a small physicochemical difference between threonine and alanine.

NM_031229.4(RBCK1):c.481A>G (p.Thr161Ala)

Gene: RBCK1 (RANBP2-type and C3HC4-type zinc finger containing 1; plus strand). Cytogenetic location: 20p13.
Variant type: single nucleotide variant.
Coding change: c.481A>G on transcript NM_031229.4 (MANE Select); coding-DNA position 481, A replaced by G.
Protein change: p.Thr161Ala; replaces threonine 161 with alanine.
Molecular consequence: missense variant. On other transcripts: synonymous variant (2), non-coding transcript variant (1).
Genome position (GRCh38, 1-based): chr20:419,367, A>G. VCF-style: chr20-419367-A-G. GRCh37 (hg19) VCF-style: chr20-400011-A-G.
Other names: c.132A>G, p.Ser44= (NM_001323956.2, NM_001323958.2); c.355A>G, p.Thr119Ala (NM_006462.6); short protein forms T119A, T161A.
Identifiers: ClinVar variation 849646 (VCV000849646.8), dbSNP rs2016222055, ClinGen allele CA407922559.